The following is an entry in ClinVar:

NM_001127644.2(GABRA1):c.949A>C (p.Ile317Leu)

Gene: GABRA1 (gamma-aminobutyric acid type A receptor subunit alpha1; plus strand). Cytogenetic location: 5q34.
Variant type: single nucleotide variant.
Coding change: c.949A>C on transcript NM_001127644.2 (MANE Select); coding-DNA position 949, A replaced by C.
Protein change: p.Ile317Leu; replaces isoleucine 317 with leucine.
Molecular consequence: missense variant.
Genome position (GRCh38, 1-based): chr5:161,895,758, A>C. VCF-style: chr5-161895758-A-C. GRCh37 (hg19) VCF-style: chr5-161322764-A-C.
Other names: p.I317L:ATT>CTT; c.949A>C, p.Ile317Leu (NM_000806.5, NM_001127643.2, NM_001127645.2 and 1 more transcripts); short protein forms I317L.
Identifiers: ClinVar variation 205527 (VCV000205527.3), dbSNP rs796052498, ClinGen allele CA314684.

ClinVar aggregate classification (germline): Uncertain significance (1 of 4 stars; one submission).

Submission:

GeneDx
Classification: Uncertain significance. Last evaluated: 2019-05-07. Review status: criteria provided, single submitter. Criteria: GeneDx Variant Classification Process June 2021. Collection method: clinical testing. Allele origin: germline. Affected: yes.
Comment: Not observed in large population cohorts (Lek et al., 2016); In silico analysis, which includes protein predictors and evolutionary conservation, supports that this variant does not alter protein structure/function; Has not been previously published as pathogenic or benign to our knowledge